The following is an entry in ClinVar:

NM_000186.4(CFH):c.2644A>G (p.Asn882Asp)

Gene: CFH (complement factor H; plus strand). Cytogenetic location: 1q31.3.
Variant type: single nucleotide variant.
Coding change: c.2644A>G on transcript NM_000186.4 (MANE Select); coding-DNA position 2644, A replaced by G.
Protein change: p.Asn882Asp; replaces asparagine 882 with aspartic acid.
Molecular consequence: missense variant.
Genome position (GRCh38, 1-based): chr1:196,737,522, A>G. VCF-style: chr1-196737522-A-G. GRCh37 (hg19) VCF-style: chr1-196706652-A-G.
Other names: short protein forms N882D.
Identifiers: ClinVar variation 4291497 (VCV004291497.1).

ClinVar aggregate classification (germline): Uncertain significance (1 of 4 stars; one submission).

Conditions:
Atypical hemolytic-uremic syndrome. Identifiers: Orphanet 2134, MedGen C2931788, MONDO:0016244.
Basal laminar drusen. Also called: DRUSEN OF BRUCH MEMBRANE; DRUSEN, CUTICULAR; DRUSEN, EARLY ADULT-ONSET, GROUPED. Identifiers: Orphanet 75376, MedGen C0730295, MONDO:0007472, OMIM 126700.
Factor H deficiency (CFHD). Also called: COMPLEMENT FACTOR H DEFICIENCY; CFH DEFICIENCY. Identifiers: Orphanet 200421, MedGen C0398777, MONDO:0012350, OMIM 609814.
Age related macular degeneration 4. Identifiers: MedGen C1853147, MONDO:0012540, OMIM 610698.

Submission:

Genomenon, Inc
Classification: Uncertain significance for Basal laminar drusen; Age related macular degeneration 4; Atypical hemolytic-uremic syndrome; Factor H deficiency. Last evaluated: 2025-10-02. Review status: criteria provided, single submitter. Criteria: Genomenon Sequence Variant Interpretation Standards - Updated. Collection method: curation. Allele origin: germline. Affected: no.
Comment: CFH p.Asn882Asp (c.2644A>G) is a missense variant that changes the amino acid at residue 882 from Asparagine to Aspartic acid. This variant has been reported in the published literature (PMID:17591618). It is absent or not present at a significant frequency in gnomAD. In silico models agree that this variant is not damaging. In conclusion, we classify CFH p.Asn882Asp (c.2644A>G) as a variant of uncertain significance.

Literature cited by the submitters: PubMed 17591618.